The following is an entry in ClinVar:

NM_130849.4(SLC39A4):c.518C>T (p.Ala173Val)

Gene: SLC39A4 (solute carrier family 39 member 4; minus strand). Cytogenetic location: 8q24.3.
Variant type: single nucleotide variant.
Coding change: c.518C>T on transcript NM_130849.4 (MANE Select); coding-DNA position 518, C replaced by T.
Protein change: p.Ala173Val; replaces alanine 173 with valine.
Molecular consequence: missense variant.
Genome position (GRCh38, 1-based): chr8:144,415,376, G>A on the plus strand (C>T on the coding strand, the complement: SLC39A4 is on the minus strand). VCF-style: chr8-144415376-G-A. GRCh37 (hg19) VCF-style: chr8-145640760-G-A.
Other names: c.236C>T, p.Ala79Val (NM_001374839.1); c.443C>T, p.Ala148Val (NM_017767.3); c.518C>T (NM_130849.2); short protein forms A148V, A79V, A173V.
Identifiers: ClinVar variation 726454 (VCV000726454.20), dbSNP rs141890870, ClinGen allele CA4941662.

ClinVar aggregate classification (germline): Conflicting classifications of pathogenicity. Review status: criteria provided, conflicting classifications (1 of 4 stars). 5 submissions from 5 submitters: Uncertain significance (2); Likely benign (2). 1 of the submissions does not count toward it. Last evaluated 2026-01-28.

Conditions:
Inborn genetic diseases. Identifiers: MedGen C0950123, MeSH D030342.
Hereditary acrodermatitis enteropathica (AEZ). Also called: Acrodermatitis enteropathica. Identifiers: Orphanet 37, MedGen C0221036, MONDO:0008713, OMIM 201100.

Allele frequency attached by ClinVar (database versions not stated): 1000 Genomes Project 30x 0.00016; gnomAD exomes 0.00023 and 0.00047; ExAC 0.00057; gnomAD 0.00105 and 0.00114; TOPMed 0.00121; ESP Exome Variant Server 0.00131.

Submissions (5):

Labcorp Genetics (formerly Invitae), Labcorp
Classification: Likely benign. Last evaluated: 2026-01-28. Review status: criteria provided, single submitter. Criteria: Invitae Variant Classification Sherloc (09022015). Collection method: clinical testing. Allele origin: germline.

CeGaT Center for Human Genetics Tuebingen
Classification: Likely benign. Last evaluated: 2025-12-01. Review status: criteria provided, single submitter. Criteria: CeGaT Center For Human Genetics Tuebingen Variant Classification Criteria Version 2. Collection method: clinical testing. Allele origin: germline. Affected: yes. Observed: 1 variant allele.
Comment: SLC39A4: BP4

Ambry Genetics
Classification: Uncertain significance for Inborn genetic diseases. Last evaluated: 2022-11-01. Review status: criteria provided, single submitter. Criteria: Ambry Variant Classification Scheme 2023. Collection method: clinical testing. Allele origin: germline.

Illumina Laboratory Services, Illumina
Classification: Uncertain significance for Hereditary acrodermatitis enteropathica. Last evaluated: 2017-04-27. Review status: criteria provided, single submitter. Criteria: ICSL Variant Classification Criteria 13 December 2019. Collection method: clinical testing. Allele origin: germline.

Natera, Inc.
Classification: Likely benign for Acrodermatitis enteropathica. Last evaluated: 2019-11-11. Review status: no assertion criteria provided. Collection method: clinical testing. Allele origin: germline. Not counted in ClinVar's aggregate classification.